The following is an entry in ClinVar:

ClinVar aggregate classification (germline): Uncertain significance (1 of 4 stars; one submission).

Conditions:
Hypertrophic cardiomyopathy. Also called: HYPERTROPHIC MYOCARDIOPATHY. Identifiers: Orphanet 217569, MedGen C0007194, MeSH D002312, MONDO:0005045, HP:0001639.

Submission:

Labcorp Genetics (formerly Invitae), Labcorp
Classification: Uncertain significance for Hypertrophic cardiomyopathy. Last evaluated: 2022-10-22. Review status: criteria provided, single submitter. Criteria: Invitae Variant Classification Sherloc (09022015). Collection method: clinical testing. Allele origin: germline.
Comment: A copy number gain of the genomic region encompassing the full coding sequence of the MYOZ2 gene has been identified. The boundaries of this event are unknown as they extend beyond the assayed region for this gene and therefore may encompass additional genes. As the precise location of this event is unknown, it may be in tandem or it may be located elsewhere in the genome. Isolated whole-gene copy number gains of MYOZ2 have not been reported in the literature. However, larger copy number events that include this gene have been reported (PMID: 22310962, 27788187). In summary, the available evidence is currently insufficient to determine the role of this variant in disease. Therefore, it has been classified as a Variant of Uncertain Significance.

Literature cited by the submitters: PubMed 22310962; PubMed 27788187.

NC_000004.11:g.(?_120057681)_(120107355_?)dup

Gene: MYOZ2 (myozenin 2; plus strand). Cytogenetic location: 4q26.
Variant type: Duplication.
Identifiers: ClinVar variation 1451020 (VCV001451020.4).